The following is an entry in ClinVar:

ClinVar aggregate classification (germline): Conflicting classifications of pathogenicity. Review status: criteria provided, conflicting classifications (1 of 4 stars). 4 submissions from 4 submitters: Uncertain significance (2); Likely benign (2). Last evaluated 2026-01-19.

Conditions:
Autosomal recessive limb-girdle muscular dystrophy type 2J (LGMDR10). Also called: Limb-girdle muscular dystrophy, type 2J; MUSCULAR DYSTROPHY, LIMB-GIRDLE, AUTOSOMAL RECESSIVE 10. Identifiers: Orphanet 140922, MedGen C1837342, MONDO:0012127, OMIM 608807.
Dilated cardiomyopathy 1G (CMD1G). Identifiers: Orphanet 154, MedGen C1858763, MONDO:0011400, OMIM 604145.
TTN-related disorder. Also called: TTN-related condition; TTN-related disease; TTN-related disorders.

Allele frequency attached by ClinVar (database versions not stated): gnomAD 0.00003; gnomAD exomes 0.00004 and 0.00021; TOPMed 0.00008; ExAC 0.00020.
gnomAD v4.1: 62 of 1,612,850 alleles (0.0038%); highest among the groups gnomAD compares: Admixed American, 0.097%; no homozygotes.

Submissions (4):

Labcorp Genetics (formerly Invitae), Labcorp
Classification: Likely benign for Dilated cardiomyopathy 1G; Autosomal recessive limb-girdle muscular dystrophy type 2J. Last evaluated: 2026-01-19. Review status: criteria provided, single submitter. Criteria: Invitae Variant Classification Sherloc (09022015). Collection method: clinical testing. Allele origin: germline.

PreventionGenetics, part of Exact Sciences
Classification: Uncertain significance for TTN-related condition. Last evaluated: 2025-12-10. Review status: criteria provided, single submitter. Criteria: ACMG Guidelines, 2015. Collection method: clinical testing. Allele origin: germline.
Comment: The TTN c.39493G>A variant is predicted to result in the amino acid substitution p.Glu13165Lys. To our knowledge, this variant has not been reported in the literature. This variant is reported in 0.15% of alleles in individuals of Latino descent in gnomAD. Although we suspect that this variant may be benign, at this time, the clinical significance of this variant is uncertain due to the absence of conclusive functional and genetic evidence.

Revvity Omics, Revvity
Classification: Uncertain significance. Last evaluated: 2024-09-20. Review status: criteria provided, single submitter. Criteria: ACMG Guidelines, 2015. Collection method: clinical testing. Allele origin: germline.

GeneDx
Classification: Likely benign. Last evaluated: 2019-03-20. Review status: criteria provided, single submitter. Criteria: GeneDx Variant Classification Process June 2021. Collection method: clinical testing. Allele origin: germline. Affected: yes.

NM_001267550.2(TTN):c.39493G>A (p.Glu13165Lys)

Gene: TTN (titin; minus strand). Cytogenetic location: 2q31.2.
Variant type: single nucleotide variant.
Coding change: c.39493G>A on transcript NM_001267550.2 (MANE Select); coding-DNA position 39493, G replaced by A.
Protein change: p.Glu13165Lys; replaces glutamic acid 13165 with lysine.
Molecular consequence: missense variant. On other transcripts: intron variant (3).
Genome position (GRCh38, 1-based): chr2:178,651,507, C>T on the plus strand (G>A on the coding strand, the complement: TTN is on the minus strand). VCF-style: chr2-178651507-C-T. GRCh37 (hg19) VCF-style: chr2-179516234-C-T.
Other names: c.34972G>A, p.Glu11658Lys (NM_001256850.1); c.32191G>A, p.Glu10731Lys (NM_133378.4); c.13283-9190G>A (NM_003319.4); c.13859-9190G>A (NM_133437.4); c.13658-9190G>A (NM_133432.3); short protein forms E11658K, E13165K, E10731K.
Identifiers: ClinVar variation 506420 (VCV000506420.15), dbSNP rs747566528, ClinGen allele CA1996689.